The following is an entry in ClinVar:

ClinVar aggregate classification (germline): Conflicting classifications of pathogenicity. Review status: criteria provided, conflicting classifications (1 of 4 stars). 4 submissions from 4 submitters: Uncertain significance (3); Benign (1). Last evaluated 2025-11-15.

Conditions:
Inborn genetic diseases. Identifiers: MedGen C0950123, MeSH D030342.

Allele frequency attached by ClinVar (database versions not stated): ExAC 0.00001; gnomAD exomes 0.00001; gnomAD 0.00002; TOPMed 0.00002.
gnomAD v4.1: 23 of 1,606,066 alleles (0.0014%); highest among the groups gnomAD compares: African/African-American, 0.0027%; no homozygotes.

Submissions (4):

Labcorp Genetics (formerly Invitae), Labcorp
Classification: Benign. Last evaluated: 2025-11-15. Review status: criteria provided, single submitter. Criteria: Invitae Variant Classification Sherloc (09022015). Collection method: clinical testing. Allele origin: germline.

Centre of Medical Genetics, University Hospital Muenster
Classification: Uncertain significance. Last evaluated: 2024-02-16. Review status: criteria provided, single submitter. Criteria: ACMG Guidelines, 2015. Collection method: clinical testing. Allele origin: unknown. Affected: yes. Observed: 1 variant allele, 1 heterozygote.
Comment: ACMG categories: PM2,BP1

Ambry Genetics
Classification: Uncertain significance for Inborn genetic diseases. Last evaluated: 2022-09-02. Review status: criteria provided, single submitter. Criteria: Ambry Variant Classification Scheme 2023. Collection method: clinical testing. Allele origin: germline.

Women's Health and Genetics/Laboratory Corporation of America, LabCorp
Classification: Uncertain significance. Last evaluated: 2022-07-08. Review status: criteria provided, single submitter. Criteria: LabCorp Variant Classification Summary - May 2015. Collection method: clinical testing. Allele origin: germline.
Comment: Variant summary: KMT2B c.6248C>T (p.Thr2083Met) results in a non-conservative amino acid change in the encoded protein sequence. Three of five in-silico tools predict a benign effect of the variant on protein function. The variant allele was found at a frequency of 1.8e-05 in 225862 control chromosomes. The available data on variant occurrences in the general population are insufficient to allow any conclusion about variant significance. To our knowledge, no occurrence of c.6248C>T in individuals affected with Dystonia 28, Childhood-Onset and no experimental evidence demonstrating its impact on protein function have been reported. No clinical diagnostic laboratories have submitted clinical-significance assessments for this variant to ClinVar after 2014. Based on the evidence outlined above, the variant was classified as uncertain significance.

NM_014727.3(KMT2B):c.6248C>T (p.Thr2083Met)

Gene: KMT2B (lysine methyltransferase 2B; plus strand). Cytogenetic location: 19q13.12.
Variant type: single nucleotide variant.
Coding change: c.6248C>T on transcript NM_014727.3 (MANE Select); coding-DNA position 6248, C replaced by T.
Protein change: p.Thr2083Met; replaces threonine 2083 with methionine.
Molecular consequence: missense variant.
Genome position (GRCh38, 1-based): chr19:35,732,797, C>T. VCF-style: chr19-35732797-C-T. GRCh37 (hg19) VCF-style: chr19-36223698-C-T.
Other names: c.6248C>T (NM_014727.1); short protein forms T2083M.
Identifiers: ClinVar variation 1704569 (VCV001704569.8), dbSNP rs768089106, ClinGen allele CA9385643.